The following is an entry in ClinVar:

NM_013432.5(TONSL):c.1351G>C (p.Glu451Gln)

Gene: TONSL (tonsoku like, DNA repair protein; minus strand). Cytogenetic location: 8q24.3.
Variant type: single nucleotide variant.
Coding change: c.1351G>C on transcript NM_013432.5 (MANE Select); coding-DNA position 1351, G replaced by C.
Protein change: p.Glu451Gln; replaces glutamic acid 451 with glutamine.
Molecular consequence: missense variant.
Genome position (GRCh38, 1-based): chr8:144,440,150, C>G on the plus strand (G>C on the coding strand, the complement: TONSL is on the minus strand). VCF-style: chr8-144440150-C-G. GRCh37 (hg19) VCF-style: chr8-145665533-C-G.
Other names: short protein forms E451Q.
Identifiers: ClinVar variation 2116573 (VCV002116573.4), dbSNP rs2537500360, ClinGen allele CA372668050.

ClinVar aggregate classification (germline): Uncertain significance (1 of 4 stars; one submission).

Allele frequency attached by ClinVar (database versions not stated): gnomAD exomes below 0.00001.
gnomAD v4.1: 1 of 1,611,626 alleles (0.000062%); highest among the groups gnomAD compares: Admixed American, 0.0017%; no homozygotes.

Submission:

Labcorp Genetics (formerly Invitae), Labcorp
Classification: Uncertain significance. Last evaluated: 2024-10-23. Review status: criteria provided, single submitter. Criteria: Invitae Variant Classification Sherloc (09022015). Collection method: clinical testing. Allele origin: germline.
Comment: This sequence change replaces glutamic acid, which is acidic and polar, with glutamine, which is neutral and polar, at codon 451 of the TONSL protein (p.Glu451Gln). This variant is not present in population databases (gnomAD no frequency). This variant has not been reported in the literature in individuals affected with TONSL-related conditions. ClinVar contains an entry for this variant (Variation ID: 2116573). Invitae Evidence Modeling of protein sequence and biophysical properties (such as structural, functional, and spatial information, amino acid conservation, physicochemical variation, residue mobility, and thermodynamic stability) indicates that this missense variant is not expected to disrupt TONSL protein function with a negative predictive value of 80%. In summary, the available evidence is currently insufficient to determine the role of this variant in disease. Therefore, it has been classified as a Variant of Uncertain Significance.